The following is an entry in ClinVar:

NM_153614.4(DNAJB13):c.98del (p.Pro33fs)

Gene: DNAJB13 (DnaJ heat shock protein family (Hsp40) member B13; plus strand). Cytogenetic location: 11q13.4.
Variant type: Deletion.
Coding change: c.98del on transcript NM_153614.4 (MANE Select); coding-DNA position 98, one base deleted (C; older notation c.98delC).
Protein change: p.Pro33fs; shifts the reading frame from proline 33.
Molecular consequence: frameshift variant. On other transcripts: 5 prime UTR variant (1).
Genome position (GRCh38, 1-based): chr11:73,958,346, C deleted; the last of 3 consecutive C bases (chr11:73,958,344-73,958,346); deleting any one gives the same sequence. VCF-style (leftmost placement, unchanged base first): chr11-73958343-AC-A. GRCh37 (hg19) VCF-style: chr11-73669388-AC-A.
Other names: c.-208del (NM_001377263.1); short protein forms P33fs.
Identifiers: ClinVar variation 2076101 (VCV002076101.4), dbSNP rs777186025, ClinGen allele CA6180599.

ClinVar aggregate classification (germline): Pathogenic (1 of 4 stars; one submission).

Submission:

Labcorp Genetics (formerly Invitae), Labcorp
Classification: Pathogenic. Last evaluated: 2023-05-08. Review status: criteria provided, single submitter. Criteria: Invitae Variant Classification Sherloc (09022015). Collection method: clinical testing. Allele origin: germline.
Comment: For these reasons, this variant has been classified as Pathogenic. ClinVar contains an entry for this variant (Variation ID: 2076101). This sequence change creates a premature translational stop signal (p.Pro33Argfs*2) in the DNAJB13 gene. It is expected to result in an absent or disrupted protein product. Loss-of-function variants in DNAJB13 are known to be pathogenic (PMID: 27486783, 31650533). This variant is present in population databases (rs777186025, gnomAD 0.009%). This variant has not been reported in the literature in individuals affected with DNAJB13-related conditions.

Literature cited by the submitters: PubMed 27486783; PubMed 31650533.